The following is an entry in ClinVar:

NM_006059.4(LAMC3):c.460G>A (p.Asp154Asn)

Gene: LAMC3 (laminin subunit gamma 3; plus strand). Cytogenetic location: 9q34.12.
Variant type: single nucleotide variant.
Coding change: c.460G>A on transcript NM_006059.4 (MANE Select); coding-DNA position 460, G replaced by A.
Protein change: p.Asp154Asn; replaces aspartic acid 154 with asparagine.
Molecular consequence: missense variant.
Genome position (GRCh38, 1-based): chr9:131,026,371, G>A. VCF-style: chr9-131026371-G-A. GRCh37 (hg19) VCF-style: chr9-133901758-G-A.
Other names: short protein forms D154N.
Identifiers: ClinVar variation 1336770 (VCV001336770.10), dbSNP rs200873204, ClinGen allele CA5286698.

ClinVar aggregate classification (germline): Uncertain significance. Review status: criteria provided, multiple submitters, no conflicts (2 of 4 stars). 3 submissions from 3 submitters: Uncertain significance (3). Last evaluated 2024-05-20.

Conditions:
Inborn genetic diseases. Identifiers: MedGen C0950123, MeSH D030342.

Allele frequency attached by ClinVar (database versions not stated): gnomAD 0.00005 and 0.00006; gnomAD exomes 0.00007 and 0.00008; ExAC 0.00008; ESP Exome Variant Server 0.00008; TOPMed 0.00008; 1000 Genomes Project 30x 0.00016.

Submissions (3):

Ambry Genetics
Classification: Uncertain significance for Inborn genetic diseases. Last evaluated: 2024-05-20. Review status: criteria provided, single submitter. Criteria: Ambry Variant Classification Scheme 2023. Collection method: clinical testing. Allele origin: germline.

Labcorp Genetics (formerly Invitae), Labcorp
Classification: Uncertain significance. Last evaluated: 2024-03-15. Review status: criteria provided, single submitter. Criteria: Invitae Variant Classification Sherloc (09022015). Collection method: clinical testing. Allele origin: germline.
Comment: This sequence change replaces aspartic acid, which is acidic and polar, with asparagine, which is neutral and polar, at codon 154 of the LAMC3 protein (p.Asp154Asn). This variant is present in population databases (rs200873204, gnomAD 0.03%). This variant has not been reported in the literature in individuals affected with LAMC3-related conditions. ClinVar contains an entry for this variant (Variation ID: 1336770). An algorithm developed to predict the effect of missense changes on protein structure and function (PolyPhen-2) suggests that this variant¬†is likely to be tolerated. In summary, the available evidence is currently insufficient to determine the role of this variant in disease. Therefore, it has been classified as a Variant of Uncertain Significance.

Genetic Services Laboratory, University of Chicago
Classification: Uncertain significance. Last evaluated: 2019-07-10. Review status: criteria provided, single submitter. Criteria: ACMG Guidelines, 2015. Collection method: clinical testing. Allele origin: germline. Affected: no.